The following is an entry in ClinVar:

NM_021023.6(CFHR3):c.58+8A>G

Gene: CFHR3 (complement factor H related 3; plus strand). Cytogenetic location: 1q31.3.
Variant type: single nucleotide variant.
Coding change: c.58+8A>G on transcript NM_021023.6 (MANE Select); 8 bases into the intron after coding-DNA position 58, A replaced by G.
Molecular consequence: intron variant.
Genome position (GRCh38, 1-based): chr1:196,774,952, A>G. VCF-style: chr1-196774952-A-G. GRCh37 (hg19) VCF-style: chr1-196744082-A-G.
Other names: p.?; c.58+8A>G (NM_001166624.2).
Identifiers: ClinVar variation 782688 (VCV000782688.6), dbSNP rs191734103, ClinGen allele CA1306036.

ClinVar aggregate classification (germline): Likely benign. Review status: criteria provided, multiple submitters, no conflicts (2 of 4 stars). 3 submissions from 3 submitters: Likely benign (3). Last evaluated 2025-06-24.

Allele frequency attached by ClinVar (database versions not stated): gnomAD exomes 0.00001; ExAC 0.00005; gnomAD 0.00134 and 0.00139; 1000 Genomes Project 0.00140; 1000 Genomes Project 30x 0.00328.
gnomAD v4.1: 206 of 1,520,532 alleles (0.014%); highest among the groups gnomAD compares: Admixed American, 0.29%; 6 homozygotes.

Submissions (3):

Mayo Clinic Laboratories, Mayo Clinic
Classification: Likely benign. Last evaluated: 2025-06-24. Review status: criteria provided, single submitter. Criteria: ACMG Guidelines, 2015. Collection method: clinical testing. Allele origin: germline. Observed: 20 variant alleles.
Comment: BP4, BP7

Blueprint Genetics
Classification: Likely benign. Last evaluated: 2023-10-25. Review status: criteria provided, single submitter. Criteria: ACMG Guidelines, 2015. Collection method: clinical testing. Allele origin: germline.

Labcorp Genetics (formerly Invitae), Labcorp
Classification: Likely benign. Last evaluated: 2019-12-31. Review status: criteria provided, single submitter. Criteria: Invitae Variant Classification Sherloc (09022015). Collection method: clinical testing. Allele origin: germline.